The following is an entry in ClinVar:

NC_000022.11:g.(?_19755901)_(19759687_?)del

Gene: TBX1 (T-box transcription factor 1; plus strand). Cytogenetic location: 22q11.21.
Variant type: Deletion.
Identifiers: ClinVar variation 831941 (VCV000831941.1).

ClinVar aggregate classification (germline): Pathogenic (1 of 4 stars; one submission).

Conditions:
DiGeorge syndrome. Also called: THIRD AND FOURTH PHARYNGEAL POUCH SYNDROME; Catch22. Identifiers: Orphanet 567, MedGen C0012236, MONDO:0008564, OMIM 188400.

Submission:

Labcorp Genetics (formerly Invitae), Labcorp
Classification: Pathogenic for DiGeorge sequence. Last evaluated: 2019-04-24. Review status: criteria provided, single submitter. Criteria: Invitae Variant Classification Sherloc (09022015). Collection method: clinical testing. Allele origin: germline.
Comment: A gross deletion of the genomic region encompassing the full coding sequence of the TBX1 gene has been identified. The boundaries of this event are unknown as the deletion extends beyond the assayed region for this gene and therefore may encompass additional genes. Loss-of-function variants in TBX1 are known to be pathogenic. Contiguous gene deletions that include TBX1 have been observed in individuals with congenital heart disease, DiGeorge syndrome, and pulmonary atresia (PMID: 25205790, 25516202, 24826987). For these reasons, this variant has been classified as Pathogenic.

Literature cited by the submitters: PubMed 25516202; PubMed 24826987; PubMed 25205790.